The following is an entry in ClinVar:

ClinVar aggregate classification (germline): Uncertain significance (1 of 4 stars; one submission).

Conditions:
Inborn genetic diseases. Identifiers: MedGen C0950123, MeSH D030342.

Submission:

Ambry Genetics
Classification: Uncertain significance for Inborn genetic diseases. Last evaluated: 2025-12-07. Review status: criteria provided, single submitter. Criteria: Ambry Variant Classification Scheme 2023. Collection method: clinical testing. Allele origin: germline.
Comment: The p.P1403T variant (also known as c.4207C>A), located in coding exon 13 of the ASXL1 gene, results from a C to A substitution at nucleotide position 4207. The proline at codon 1403 is replaced by threonine, an amino acid with highly similar properties. This amino acid position is conserved. In addition, the in silico prediction for this alteration is inconclusive. Based on the available evidence, the clinical significance of this variant remains unclear.

NM_015338.6(ASXL1):c.4207C>A (p.Pro1403Thr)

Gene: ASXL1 (ASXL transcriptional regulator 1; plus strand). Cytogenetic location: 20q11.21.
Variant type: single nucleotide variant.
Coding change: c.4207C>A on transcript NM_015338.6 (MANE Select); coding-DNA position 4207, C replaced by A.
Protein change: p.Pro1403Thr; replaces proline 1403 with threonine.
Molecular consequence: missense variant.
Genome position (GRCh38, 1-based): chr20:32,436,919, C>A. VCF-style: chr20-32436919-C-A. GRCh37 (hg19) VCF-style: chr20-31024722-C-A.
Other names: c.4024C>A, p.Pro1342Thr (NM_001363734.1); short protein forms P1403T, P1342T.
Identifiers: ClinVar variation 4588940 (VCV004588940.1).
Genomic context (GRCh38, chr20:32,436,919, plus strand): 5'-GAGAACAGGAAAGCTACTGGGCATAGTCCCCTGGAACTGGTGGGTCACTTGGAAGGGATG[C>A]CCTTTGTCATGGACTTGCCCTTCTGGAAATTACCCCGAGAGCCAGGGAAGGGGCTCAGTG-3'
Protein context (NP_056153.2, residues 1393-1413): LELVGHLEGM[Pro1403Thr]FVMDLPFWKL